The following is an entry in ClinVar:

ClinVar aggregate classification (germline): Pathogenic (1 of 4 stars; one submission).

Conditions:
Rhabdoid tumor predisposition syndrome 2 (RTPS2). Identifiers: Orphanet 231108, Orphanet 69077, MedGen C2750074, MONDO:0013224, OMIM 613325.

Submission:

Labcorp Genetics (formerly Invitae), Labcorp
Classification: Pathogenic for Rhabdoid tumor predisposition syndrome 2. Last evaluated: 2023-06-26. Review status: criteria provided, single submitter. Criteria: Invitae Variant Classification Sherloc (09022015). Collection method: clinical testing. Allele origin: germline.
Comment: This variant is not present in population databases (gnomAD no frequency). For these reasons, this variant has been classified as Pathogenic. This variant has not been reported in the literature in individuals affected with SMARCA4-related conditions. This sequence change creates a premature translational stop signal (p.Trp875*) in the SMARCA4 gene. It is expected to result in an absent or disrupted protein product. Loss-of-function variants in SMARCA4 are known to be pathogenic (PMID: 24658001, 24658002).

Literature cited by the submitters: PubMed 24658001; PubMed 24658002.

NM_003072.5(SMARCA4):c.2625del (p.Arg874_Trp875insTer)

Gene: SMARCA4 (SWI/SNF related BAF chromatin remodeling complex subunit ATPase 4; plus strand). Cytogenetic location: 19p13.2.
Variant type: Deletion.
Coding change: c.2625del on transcript NM_003072.5 (MANE Select); coding-DNA position 2625, one base deleted (G; older notation c.2625delG).
Protein change: p.Arg874_Trp875insTer.
Molecular consequence: nonsense. On other transcripts: non-coding transcript variant (1).
Genome position (GRCh38, 1-based): chr19:11,021,733, G deleted; the last of 2 consecutive G bases (chr19:11,021,732-11,021,733); deleting either gives the same sequence. VCF-style (leftmost placement, unchanged base first): chr19-11021731-TG-T. GRCh37 (hg19) VCF-style: chr19-11132407-TG-T.
Other names: c.2625del, p.Arg874_Trp875insTer (NM_001128844.3, NM_001128845.2, NM_001128846.2 and 6 more transcripts).
Identifiers: ClinVar variation 2821550 (VCV002821550.3), dbSNP rs2514874118, ClinGen allele CA2739276474.
Genomic context (GRCh38, chr19:11,021,731, plus strand): 5'-TGTGCCGGGCCACCTGCTGCCCCCTGCCCTGATTGCCCACTCTGGGGCCCGCAGATCCGT[TG>T]GAAGTACATGATTGTGGACGAAGGTCACCGCATGAAGAACCACCACTGCAAGCTGACGCA-3'